The following is an entry in ClinVar:

NM_201384.3(PLEC):c.6782A>G (p.Asn2261Ser)

Gene: PLEC (plectin; minus strand). Cytogenetic location: 8q24.3.
Variant type: single nucleotide variant.
Coding change: c.6782A>G on transcript NM_201384.3 (MANE Select); coding-DNA position 6782, A replaced by G.
Protein change: p.Asn2261Ser; replaces asparagine 2261 with serine.
Molecular consequence: missense variant.
Genome position (GRCh38, 1-based): chr8:143,923,147, T>C on the plus strand (A>G on the coding strand, the complement: PLEC is on the minus strand). VCF-style: chr8-143923147-T-C. GRCh37 (hg19) VCF-style: chr8-144997315-T-C.
Other names: c.6863A>G, p.Asn2288Ser (NM_000445.5); c.6740A>G, p.Asn2247Ser (NM_201378.4); c.6716A>G, p.Asn2239Ser (NM_201379.3); c.7193A>G, p.Asn2398Ser (NM_201380.4); c.6686A>G, p.Asn2229Ser (NM_201381.3); c.6782A>G, p.Asn2261Ser (NM_201382.4); c.6794A>G, p.Asn2265Ser (NM_201383.3); c.6863A>G (NM_000445.3); short protein forms N2229S, N2247S, N2398S, N2239S, N2265S, N2288S, N2261S.
Identifiers: ClinVar variation 577284 (VCV000577284.8), dbSNP rs200272804, ClinGen allele CA4925861.

ClinVar aggregate classification (germline): Uncertain significance. Review status: criteria provided, multiple submitters, no conflicts (2 of 4 stars). 3 submissions from 3 submitters: Uncertain significance (3). Last evaluated 2024-09-20.

Conditions:
Inborn genetic diseases. Identifiers: MedGen C0950123, MeSH D030342.
Epidermolysis bullosa simplex 5C, with pyloric atresia (EBS5C). Also called: PLEC1-Related Epidermolysis Bullosa with Pyloric Atresia; PLEC-Related Epidermolysis Bullosa with Pyloric Atresia; Epidermolysis bullosa simplex with pyloric atresia. Identifiers: Orphanet 158684, MedGen C2677349, MONDO:0012807, OMIM 612138.
Epidermolysis bullosa simplex with nail dystrophy (EBS5D). Identifiers: MedGen C4225309, MONDO:0014661, OMIM 616487.
Autosomal recessive limb-girdle muscular dystrophy type 2Q (LGMDR17). Also called: MUSCULAR DYSTROPHY, LIMB-GIRDLE, AUTOSOMAL RECESSIVE 17. Identifiers: Orphanet 254361, MedGen C3150989, MONDO:0013390, OMIM 613723.
Epidermolysis bullosa simplex 5B, with muscular dystrophy (EBS5B). Also called: Epidermolysis bullosa simplex with muscular dystrophy; EPIDERMOLYSIS BULLOSA SIMPLEX AND LIMB-GIRDLE MUSCULAR DYSTROPHY. Identifiers: Orphanet 257, MedGen C2931072, MONDO:0009181, OMIM 226670.
Epidermolysis bullosa simplex, Ogna type (EBS5A). Also called: Pidermolysis bullosa simplex 5A, Ogna type; EPIDERMOLYSIS BULLOSA SIMPLEX 5A, OGNA TYPE. Identifiers: Orphanet 79401, MedGen C0432317, MONDO:0007555, OMIM 131950.

Allele frequency attached by ClinVar (database versions not stated): TOPMed 0.00002; ExAC 0.00003; gnomAD 0.00003; gnomAD exomes 0.00004 and 0.00009; ESP Exome Variant Server 0.00015.
gnomAD v4.1: 131 of 1,602,946 alleles (0.0082%); highest among the groups gnomAD compares: Non-Finnish European, 0.01%; no homozygotes.

Submissions (3):

Revvity Omics, Revvity
Classification: Uncertain significance. Last evaluated: 2024-09-20. Review status: criteria provided, single submitter. Criteria: ACMG Guidelines, 2015. Collection method: clinical testing. Allele origin: germline.

Ambry Genetics
Classification: Uncertain significance for Inborn genetic diseases. Last evaluated: 2024-07-16. Review status: criteria provided, single submitter. Criteria: Ambry Variant Classification Scheme 2023. Collection method: clinical testing. Allele origin: germline.

Labcorp Genetics (formerly Invitae), Labcorp
Classification: Uncertain significance for Autosomal recessive limb-girdle muscular dystrophy type 2Q; Epidermolysis bullosa simplex, Ogna type; Epidermolysis bullosa simplex with nail dystrophy; Epidermolysis bullosa simplex 5C, with pyloric atresia; Epidermolysis bullosa simplex 5B, with muscular dystrophy. Last evaluated: 2024-01-15. Review status: criteria provided, single submitter. Criteria: Invitae Variant Classification Sherloc (09022015). Collection method: clinical testing. Allele origin: germline.
Comment: This sequence change replaces asparagine, which is neutral and polar, with serine, which is neutral and polar, at codon 2288 of the PLEC protein (p.Asn2288Ser). This variant is present in population databases (rs200272804, gnomAD 0.006%). This variant has not been reported in the literature in individuals affected with PLEC-related conditions. ClinVar contains an entry for this variant (Variation ID: 577284). Advanced modeling of protein sequence and biophysical properties (such as structural, functional, and spatial information, amino acid conservation, physicochemical variation, residue mobility, and thermodynamic stability) performed at Invitae indicates that this missense variant is not expected to disrupt PLEC protein function with a negative predictive value of 80%. In summary, the available evidence is currently insufficient to determine the role of this variant in disease. Therefore, it has been classified as a Variant of Uncertain Significance.